The following is an entry in ClinVar:

ClinVar aggregate classification (germline): Uncertain significance (1 of 4 stars; one submission).

Conditions:
Peroxisome biogenesis disorder, complementation group 7 (CG7). Also called: Peroxisome biogenesis disorder, complementation group B. Identifiers: MedGen C1864399.

Allele frequency attached by ClinVar (database versions not stated): gnomAD exomes below 0.00001 and 0.00001; ExAC 0.00001; gnomAD 0.00001.

Submission:

Labcorp Genetics (formerly Invitae), Labcorp
Classification: Uncertain significance for Peroxisome biogenesis disorder, complementation group 7. Last evaluated: 2022-08-09. Review status: criteria provided, single submitter. Criteria: Invitae Variant Classification Sherloc (09022015). Collection method: clinical testing. Allele origin: germline.
Comment: This sequence change replaces alanine, which is neutral and non-polar, with serine, which is neutral and polar, at codon 180 of the PEX10 protein (p.Ala180Ser). This variant is present in population databases (rs769189410, gnomAD 0.01%). This variant has not been reported in the literature in individuals affected with PEX10-related conditions. ClinVar contains an entry for this variant (Variation ID: 1429902). Algorithms developed to predict the effect of missense changes on protein structure and function output the following: SIFT: "Tolerated"; PolyPhen-2: "Probably Damaging"; Align-GVGD: "Class C0". The serine amino acid residue is found in multiple mammalian species, which suggests that this missense change does not adversely affect protein function. In summary, the available evidence is currently insufficient to determine the role of this variant in disease. Therefore, it has been classified as a Variant of Uncertain Significance.

NM_002617.4(PEX10):c.538G>T (p.Ala180Ser)

Gene: PEX10 (peroxisomal biogenesis factor 10; minus strand). Cytogenetic location: 1p36.32.
Variant type: single nucleotide variant.
Coding change: c.538G>T on transcript NM_002617.4 (MANE Select); coding-DNA position 538, G replaced by T.
Protein change: p.Ala180Ser; replaces alanine 180 with serine.
Molecular consequence: missense variant. On other transcripts: non-coding transcript variant (1).
Genome position (GRCh38, 1-based): chr1:2,408,514, C>A on the plus strand (G>T on the coding strand, the complement: PEX10 is on the minus strand). VCF-style: chr1-2408514-C-A. GRCh37 (hg19) VCF-style: chr1-2339953-C-A.
Other names: c.538G>T, p.Ala180Ser (NM_001374425.1, NM_153818.2); c.106G>T, p.Ala36Ser (NM_001374426.1, NM_001374427.1); short protein forms A180S, A36S.
Identifiers: ClinVar variation 1429902 (VCV001429902.5), dbSNP rs769189410, ClinGen allele CA538141.